The following is an entry in ClinVar:

NM_201384.3(PLEC):c.3496C>T (p.Arg1166Trp)

Gene: PLEC (plectin; minus strand). Cytogenetic location: 8q24.3.
Variant type: single nucleotide variant.
Coding change: c.3496C>T on transcript NM_201384.3 (MANE Select); coding-DNA position 3496, C replaced by T.
Protein change: p.Arg1166Trp; replaces arginine 1166 with tryptophan.
Molecular consequence: missense variant.
Genome position (GRCh38, 1-based): chr8:143,927,670, G>A on the plus strand (C>T on the coding strand, the complement: PLEC is on the minus strand). VCF-style: chr8-143927670-G-A. GRCh37 (hg19) VCF-style: chr8-145001838-G-A.
Other names: c.3577C>T, p.Arg1193Trp (NM_000445.5); c.3454C>T, p.Arg1152Trp (NM_201378.4); c.3430C>T, p.Arg1144Trp (NM_201379.3); c.3907C>T, p.Arg1303Trp (NM_201380.4); c.3400C>T, p.Arg1134Trp (NM_201381.3); c.3496C>T, p.Arg1166Trp (NM_201382.4); c.3508C>T, p.Arg1170Trp (NM_201383.3); c.3577C>T (NM_000445.4); short protein forms R1134W, R1193W, R1144W, R1170W, R1303W, R1152W, R1166W.
Identifiers: ClinVar variation 595800 (VCV000595800.10), dbSNP rs374092876, ClinGen allele CA4927042.

ClinVar aggregate classification (germline): Uncertain significance. Review status: criteria provided, multiple submitters, no conflicts (2 of 4 stars). 4 submissions from 4 submitters: Uncertain significance (4). Last evaluated 2026-06-08.

Conditions:
PLEC-related disorder. Also called: PLEC-related disorders; PLEC-related condition.
Epidermolysis bullosa simplex 5C, with pyloric atresia (EBS5C). Also called: PLEC-Related Epidermolysis Bullosa with Pyloric Atresia; PLEC1-Related Epidermolysis Bullosa with Pyloric Atresia; Epidermolysis bullosa simplex with pyloric atresia. Identifiers: Orphanet 158684, MedGen C2677349, MONDO:0012807, OMIM 612138.
Epidermolysis bullosa simplex, Ogna type (EBS5A). Also called: Pidermolysis bullosa simplex 5A, Ogna type; EPIDERMOLYSIS BULLOSA SIMPLEX 5A, OGNA TYPE. Identifiers: Orphanet 79401, MedGen C0432317, MONDO:0007555, OMIM 131950.
Epidermolysis bullosa simplex 5B, with muscular dystrophy (EBS5B). Also called: Epidermolysis bullosa simplex with muscular dystrophy; EPIDERMOLYSIS BULLOSA SIMPLEX AND LIMB-GIRDLE MUSCULAR DYSTROPHY. Identifiers: Orphanet 257, MedGen C2931072, MONDO:0009181, OMIM 226670.
Epidermolysis bullosa simplex with nail dystrophy (EBS5D). Identifiers: MedGen C4225309, MONDO:0014661, OMIM 616487.
Autosomal recessive limb-girdle muscular dystrophy type 2Q (LGMDR17). Also called: MUSCULAR DYSTROPHY, LIMB-GIRDLE, AUTOSOMAL RECESSIVE 17. Identifiers: Orphanet 254361, MedGen C3150989, MONDO:0013390, OMIM 613723.

Allele frequency attached by ClinVar (database versions not stated): gnomAD 0.00001; gnomAD exomes 0.00002 and 0.00007; TOPMed 0.00003; ESP Exome Variant Server 0.00008; ExAC 0.00017.
gnomAD v4.1: 34 of 1,580,614 alleles (0.0022%); highest among the groups gnomAD compares: East Asian, 0.0046%; no homozygotes.

Submissions (4):

PreventionGenetics, part of Exact Sciences
Classification: Uncertain significance for PLEC-related condition. Last evaluated: 2026-06-08. Review status: criteria provided, single submitter. Criteria: ACMG Guidelines, 2015. Collection method: clinical testing. Allele origin: germline.
Comment: The PLEC c.3577C>T variant is predicted to result in the amino acid substitution p.Arg1193Trp. To our knowledge, this variant has not been reported in the literature. This variant is reported in 0.015% of alleles in individuals of South Asian descent in gnomAD. At this time, the clinical significance of this variant is uncertain due to the absence of conclusive functional and genetic evidence.

Revvity Omics, Revvity
Classification: Uncertain significance. Last evaluated: 2025-03-18. Review status: criteria provided, single submitter. Criteria: ACMG Guidelines, 2015. Collection method: clinical testing. Allele origin: germline.

Labcorp Genetics (formerly Invitae), Labcorp
Classification: Uncertain significance for Autosomal recessive limb-girdle muscular dystrophy type 2Q; Epidermolysis bullosa simplex, Ogna type; Epidermolysis bullosa simplex with nail dystrophy; Epidermolysis bullosa simplex 5C, with pyloric atresia; Epidermolysis bullosa simplex 5B, with muscular dystrophy. Last evaluated: 2023-10-05. Review status: criteria provided, single submitter. Criteria: Invitae Variant Classification Sherloc (09022015). Collection method: clinical testing. Allele origin: germline.
Comment: This sequence change replaces arginine, which is basic and polar, with tryptophan, which is neutral and slightly polar, at codon 1193 of the PLEC protein (p.Arg1193Trp). This variant is present in population databases (rs374092876, gnomAD 0.009%). This variant has not been reported in the literature in individuals affected with PLEC-related conditions. ClinVar contains an entry for this variant (Variation ID: 595800). Advanced modeling of protein sequence and biophysical properties (such as structural, functional, and spatial information, amino acid conservation, physicochemical variation, residue mobility, and thermodynamic stability) performed at Invitae indicates that this missense variant is not expected to disrupt PLEC protein function. In summary, the available evidence is currently insufficient to determine the role of this variant in disease. Therefore, it has been classified as a Variant of Uncertain Significance.

Eurofins Ntd Llc (ga)
Classification: Uncertain significance. Last evaluated: 2018-01-19. Review status: criteria provided, single submitter. Criteria: EGL Classification Definitions 2015. Collection method: clinical testing. Allele origin: germline. Observed: 1 variant allele, 1 heterozygote.